The following is an entry in ClinVar:

NM_006648.4(WNK2):c.1933C>T (p.Pro645Ser)

Gene: WNK2 (WNK lysine deficient protein kinase 2; plus strand). Cytogenetic location: 9q22.31.
Variant type: single nucleotide variant.
Coding change: c.1933C>T on transcript NM_006648.4 (MANE Select); coding-DNA position 1933, C replaced by T.
Protein change: p.Pro645Ser; replaces proline 645 with serine.
Molecular consequence: missense variant.
Genome position (GRCh38, 1-based): chr9:93,252,981, C>T. VCF-style: chr9-93252981-C-T. GRCh37 (hg19) VCF-style: chr9-96015263-C-T.
Other names: c.1933C>T, p.Pro645Ser (NM_001282394.3); short protein forms P645S.
Identifiers: ClinVar variation 3333155 (VCV003333155.2).

ClinVar aggregate classification (germline): Uncertain significance (1 of 4 stars; one submission).

gnomAD v4.1: 69 of 1,566,970 alleles (0.0044%); highest among the groups gnomAD compares: Non-Finnish European, 0.0056%; no homozygotes.

Submission:

Ambry Genetics
Classification: Uncertain significance. Last evaluated: 2024-11-18. Review status: criteria provided, single submitter. Criteria: Ambry Variant Classification Scheme 2023. Collection method: clinical testing. Allele origin: germline.
Comment: The p.P645S variant (also known as c.1933C>T), located in coding exon 8 of the WNK2 gene, results from a C to T substitution at nucleotide position 1933. The proline at codon 645 is replaced by serine, an amino acid with similar properties. This amino acid position is conserved. In addition, this alteration is predicted to be tolerated by in silico analysis. Based on the available evidence, the clinical significance of this variant remains unclear.